The following is an entry in ClinVar:

ClinVar aggregate classification (germline): Uncertain significance. Review status: criteria provided, multiple submitters, no conflicts (2 of 4 stars). 2 submissions from 2 submitters: Uncertain significance (2). Last evaluated 2021-09-26.

Conditions:
Cardiovascular phenotype. Identifiers: MedGen CN230736.

Allele frequency attached by ClinVar (database versions not stated): gnomAD 0.00001.

Submissions (2):

Ambry Genetics
Classification: Uncertain significance for Cardiovascular phenotype. Last evaluated: 2021-09-26. Review status: criteria provided, single submitter. Criteria: Ambry Variant Classification Scheme 2023. Collection method: clinical testing. Allele origin: germline.
Comment: The p.A2T variant (also known as c.4G>A), located in coding exon 1 of the TBX5 gene, results from a G to A substitution at nucleotide position 4. The alanine at codon 2 is replaced by threonine, an amino acid with similar properties. This amino acid position is conserved. In addition, the in silico prediction for this alteration is inconclusive. Since supporting evidence is limited at this time, the clinical significance of this alteration remains unclear.

Blueprint Genetics
Classification: Uncertain significance. Last evaluated: 2019-01-23. Review status: criteria provided, single submitter. Criteria: ACMG Guidelines, 2015. Collection method: clinical testing. Allele origin: germline.

NM_181486.4(TBX5):c.4G>A (p.Ala2Thr)

Gene: TBX5 (T-box transcription factor 5; minus strand). Cytogenetic location: 12q24.21.
Variant type: single nucleotide variant.
Coding change: c.4G>A on transcript NM_181486.4 (MANE Select); coding-DNA position 4, G replaced by A.
Protein change: p.Ala2Thr; replaces alanine 2 with threonine.
Molecular consequence: missense variant. On other transcripts: intron variant (1).
Genome position (GRCh38, 1-based): chr12:114,403,895, C>T on the plus strand (G>A on the coding strand, the complement: TBX5 is on the minus strand). VCF-style: chr12-114403895-C-T. GRCh37 (hg19) VCF-style: chr12-114841700-C-T.
Other names: c.4G>A, p.Ala2Thr (NM_000192.3); c.-3-1975G>A (NM_080717.4); short protein forms A2T.
Identifiers: ClinVar variation 1744700 (VCV001744700.3), dbSNP rs1246421378, ClinGen allele CA386863702.
Genomic context (GRCh38, chr12:114,403,895, plus strand): 5'-GGTCTTTTGCGTCAGGCTCCAGAGGCGTGTGCGCCAGGCCAAAGCCCTCGTCTGCGTCGG[C>T]CATGGTGCGCCCAGGGCCCTGTGCCCGCGCAAGGTTCTGCTCTGAGGACAAGAAGCAGGG-3'
Protein context (NP_852259.1, residues 1-12): M[Ala2Thr]DADEGFGLAH